The following is an entry in ClinVar:

NM_000271.5(NPC1):c.2088T>C (p.Ala696=)

Gene: NPC1 (NPC intracellular cholesterol transporter 1; minus strand). Cytogenetic location: 18q11.2.
Variant type: single nucleotide variant.
Coding change: c.2088T>C on transcript NM_000271.5 (MANE Select); coding-DNA position 2088, T replaced by C.
Protein change: p.Ala696=; no amino-acid change (alanine 696 retained).
Molecular consequence: synonymous variant.
Genome position (GRCh38, 1-based): chr18:23,544,386, A>G on the plus strand (T>C on the coding strand, the complement: NPC1 is on the minus strand). VCF-style: chr18-23544386-A-G. GRCh37 (hg19) VCF-style: chr18-21124350-A-G.
Identifiers: ClinVar variation 766085 (VCV000766085.39), dbSNP rs377179697, ClinGen allele CA8913229.
Genomic context (GRCh38, chr18:23,544,386, plus strand): 5'-GAGAATATGGAAGTATACCTGGTAGGCCTGCACCAGAATGAAGATGTTGTCCACTCCAAC[A>G]GCCAGCACCAGGAACGGGATGACTTCAATCACAATGAGGGTCAAGGGCAACCCAATGTAG-3'
Protein context (NP_000262.2, residues 686-706): VIEVIPFLVL[Ala696=]VGVDNIFILV

ClinVar aggregate classification (germline): Benign/Likely benign. Review status: criteria provided, multiple submitters, no conflicts (2 of 4 stars). 6 submissions from 6 submitters: Benign (1); Likely benign (3). 2 of the submissions do not count toward it. Last evaluated 2026-05-01.

Conditions:
NPC1-related disorder. Also called: NPC1-related condition.
Niemann-Pick disease, type C1. Also called: NIEMANN-PICK DISEASE, VARIANT TYPE C1; NEUROVISCERAL STORAGE DISEASE WITH VERTICAL SUPRANUCLEAR OPHTHALMOPLEGIA; NIEMANN-PICK DISEASE WITH CHOLESTEROL ESTERIFICATION BLOCK; NIEMANN-PICK DISEASE WITHOUT SPHINGOMYELINASE DEFICIENCY; NIEMANN-PICK DISEASE, CHRONIC NEURONOPATHIC FORM. Identifiers: Orphanet 646, MedGen C3179455, MONDO:0009757, OMIM 257220.

Allele frequency attached by ClinVar (database versions not stated): gnomAD exomes 0.00005 and 0.00006; TOPMed 0.00006; ExAC 0.00007; gnomAD 0.00013 and 0.00015; ESP Exome Variant Server 0.00015.
gnomAD v4.1: 103 of 1,614,124 alleles (0.0064%); highest among the groups gnomAD compares: Non-Finnish European, 0.0086%; no homozygotes.

Submissions (6):

CeGaT Center for Human Genetics Tuebingen
Classification: Likely benign. Last evaluated: 2026-05-01. Review status: criteria provided, single submitter. Criteria: CeGaT Center For Human Genetics Tuebingen Variant Classification Criteria Version 2. Collection method: clinical testing. Allele origin: germline. Affected: yes. Observed: 5 variant alleles.
Comment: NPC1: BP4, BP7

Labcorp Genetics (formerly Invitae), Labcorp
Classification: Likely benign for Niemann-Pick disease, type C1. Last evaluated: 2026-01-04. Review status: criteria provided, single submitter. Criteria: Invitae Variant Classification Sherloc (09022015). Collection method: clinical testing. Allele origin: germline.

Laboratory of Genetics, Children's Clinical University Hospital Latvia
Classification: Benign. Last evaluated: 2025-02-16. Review status: criteria provided, single submitter. Criteria: ACMG Guidelines, 2015. Collection method: clinical testing. Allele origin: germline. Affected: yes.

Blueprint Genetics
Classification: Likely benign. Last evaluated: 2024-11-21. Review status: criteria provided, single submitter. Criteria: ACMG Guidelines, 2015. Collection method: clinical testing. Allele origin: germline.

Natera, Inc.
Classification: Likely benign for Niemann-Pick disease type C1. Last evaluated: 2020-05-04. Review status: no assertion criteria provided. Collection method: clinical testing. Allele origin: germline. Not counted in ClinVar's aggregate classification.

PreventionGenetics, part of Exact Sciences
Classification: Likely benign for NPC1-related condition. Last evaluated: 2019-08-29. Review status: no assertion criteria provided. Collection method: clinical testing. Allele origin: germline. Not counted in ClinVar's aggregate classification.
Comment: This variant is classified as likely benign based on ACMG/AMP sequence variant interpretation guidelines (Richards et al. 2015 PMID: 25741868, with internal and published modifications).